The following is an entry in ClinVar:

NM_004006.3(DMD):c.8107G>A (p.Ala2703Thr)

Gene: DMD (dystrophin; minus strand). Cytogenetic location: Xp21.1.
Variant type: single nucleotide variant.
Coding change: c.8107G>A on transcript NM_004006.3 (MANE Select); coding-DNA position 8107, G replaced by A.
Protein change: p.Ala2703Thr; replaces alanine 2703 with threonine.
Molecular consequence: missense variant.
Genome position (GRCh38, 1-based): chrX:31,627,783, C>T on the plus strand (G>A on the coding strand, the complement: DMD is on the minus strand). VCF-style: chrX-31627783-C-T. GRCh37 (hg19) VCF-style: chrX-31645900-C-T.
Other names: c.8083G>A, p.Ala2695Thr (NM_000109.4); c.8095G>A, p.Ala2699Thr (NM_004009.3); c.7738G>A, p.Ala2580Thr (NM_004010.3); c.4084G>A, p.Ala1362Thr (NM_004011.4); c.4075G>A, p.Ala1359Thr (NM_004012.4); c.727G>A, p.Ala243Thr (NM_004013.3, NM_004020.4, NM_004021.3 and 2 more transcripts); short protein forms A1359T, A1362T, A243T, A2580T, A2695T, A2699T, A2703T.
Identifiers: ClinVar variation 5040317 (VCV005040317.1).

ClinVar aggregate classification (germline): Uncertain significance (1 of 4 stars; one submission).

Submission:

CeGaT Center for Human Genetics Tuebingen
Classification: Uncertain significance. Last evaluated: 2026-07-01. Review status: criteria provided, single submitter. Criteria: CeGaT Center For Human Genetics Tuebingen Variant Classification Criteria Version 2. Collection method: clinical testing. Allele origin: germline. Affected: yes. Observed: 1 variant allele.
Comment: DMD: PM2, BP4